The following is an entry in ClinVar:

NM_152564.5(VPS13B):c.10633A>C (p.Met3545Leu)

Gene: VPS13B (vacuolar protein sorting 13 homolog B; plus strand). Cytogenetic location: 8q22.2.
Variant type: single nucleotide variant.
Coding change: c.10633A>C on transcript NM_152564.5 (MANE Select); coding-DNA position 10633, A replaced by C.
Protein change: p.Met3545Leu; replaces methionine 3545 with leucine.
Molecular consequence: missense variant.
Genome position (GRCh38, 1-based): chr8:99,854,022, A>C. VCF-style: chr8-99854022-A-C. GRCh37 (hg19) VCF-style: chr8-100866250-A-C.
Other names: c.10708A>C, p.Met3570Leu (NM_017890.5); short protein forms M3570L, M3545L.
Identifiers: ClinVar variation 1939126 (VCV001939126.4), dbSNP rs781672013, ClinGen allele CA182314642.

ClinVar aggregate classification (germline): Uncertain significance (1 of 4 stars; one submission).

Conditions:
Cohen syndrome (COH1). Also called: Cutis verticis gyrata, retinitis pigmentosa, and sensorineural deafness; PEPPER SYNDROME. Identifiers: Orphanet 193, MedGen C0265223, MONDO:0008999, OMIM 216550.

gnomAD v4.1: 2 of 1,614,220 alleles (0.00012%); highest among the groups gnomAD compares: Admixed American, 0.0017%; no homozygotes.

Submission:

Labcorp Genetics (formerly Invitae), Labcorp
Classification: Uncertain significance for Cohen syndrome. Last evaluated: 2023-11-27. Review status: criteria provided, single submitter. Criteria: Invitae Variant Classification Sherloc (09022015). Collection method: clinical testing. Allele origin: germline.
Comment: This sequence change replaces methionine, which is neutral and non-polar, with leucine, which is neutral and non-polar, at codon 3570 of the VPS13B protein (p.Met3570Leu). This variant is not present in population databases (gnomAD no frequency). This variant has not been reported in the literature in individuals affected with VPS13B-related conditions. ClinVar contains an entry for this variant (Variation ID: 1939126). Advanced modeling of protein sequence and biophysical properties (such as structural, functional, and spatial information, amino acid conservation, physicochemical variation, residue mobility, and thermodynamic stability) performed at Invitae indicates that this missense variant is not expected to disrupt VPS13B protein function with a negative predictive value of 80%. In summary, the available evidence is currently insufficient to determine the role of this variant in disease. Therefore, it has been classified as a Variant of Uncertain Significance.